The following is an entry in ClinVar:

NM_005677.4(COLQ):c.1129G>C (p.Asp377His)

Gene: COLQ (collagen like tail subunit of asymmetric acetylcholinesterase; minus strand). Cytogenetic location: 3p25.1.
Variant type: single nucleotide variant.
Coding change: c.1129G>C on transcript NM_005677.4 (MANE Select); coding-DNA position 1129, G replaced by C.
Protein change: p.Asp377His; replaces aspartic acid 377 with histidine.
Molecular consequence: missense variant.
Genome position (GRCh38, 1-based): chr3:15,455,965, C>G on the plus strand (G>C on the coding strand, the complement: COLQ is on the minus strand). VCF-style: chr3-15455965-C-G. GRCh37 (hg19) VCF-style: chr3-15497472-C-G.
Other names: c.1099G>C, p.Asp367His (NM_080538.2); c.1027G>C, p.Asp343His (NM_080539.4); short protein forms D343H, D367H, D377H.
Identifiers: ClinVar variation 3767273 (VCV003767273.1).

ClinVar aggregate classification (germline): Uncertain significance (0 of 4 stars; one submission).

Conditions:
Congenital myasthenic syndrome (CMS). Also called: Congenital Myasthenic Syndromes. Identifiers: Orphanet 590, MedGen C0751882, MeSH D020294, MONDO:0018940.

Submission:

Department of Molecular Biology and Genetics, Al-Quds University
Classification: Uncertain significance for Congenital myasthenic syndrome. Last evaluated: 2025-01-16. Review status: no assertion criteria provided. Collection method: clinical testing. Allele origin: inherited. Affected: yes. Observed: 1 variant allele.
Comment: This sequence change (c.1129G>C) results in a missense variant (p.Asp377His) in the COLQ gene. It has not been reported in the literature or functionally characterized. The most common symptoms that were observed in patients with this variant are ptosis, muscle weakness and hypotonia.